The following is an entry in ClinVar:

NM_000133.4(F9):c.735del (p.Asn245fs)

Gene: F9 (coagulation factor IX; plus strand). Cytogenetic location: Xq27.1.
Variant type: Deletion.
Coding change: c.735del on transcript NM_000133.4 (MANE Select); coding-DNA position 735, one base deleted (T; older notation c.735delT).
Protein change: p.Asn245fs; shifts the reading frame from asparagine 245.
Molecular consequence: frameshift variant.
Genome position (GRCh38, 1-based): chrX:139,560,752, T deleted. VCF-style (leftmost placement, unchanged base first): chrX-139560751-AT-A. GRCh37 (hg19) VCF-style: chrX-138642910-AT-A.
Other names: c.621del, p.Asn207fs (NM_001313913.2); short protein forms N207fs, N245fs.
Identifiers: ClinVar variation 3759691 (VCV003759691.2).

ClinVar aggregate classification (germline): Pathogenic (1 of 4 stars; one submission).

Conditions:
Thrombophilia, X-linked, due to factor 9 defect. Identifiers: MedGen C2749016, MONDO:0010432, OMIM 300807.
Hereditary factor IX deficiency disease (HEMB). Also called: Christmas Disease; F9 DEFICIENCY; FACTOR IX DEFICIENCY; PLASMA THROMBOPLASTIN COMPONENT DEFICIENCY; Hemophilia B. Identifiers: Orphanet 98879, MedGen C0008533, MeSH D002836, MONDO:0010604, OMIM 306900.

Submission:

Labcorp Genetics (formerly Invitae), Labcorp
Classification: Pathogenic for Thrombophilia, X-linked, due to factor 9 defect; Hereditary factor IX deficiency disease. Last evaluated: 2024-02-17. Review status: criteria provided, single submitter. Criteria: Invitae Variant Classification Sherloc (09022015). Collection method: clinical testing. Allele origin: germline.
Comment: This sequence change creates a premature translational stop signal (p.Asn245Lysfs*19) in the F9 gene. It is expected to result in an absent or disrupted protein product. Loss-of-function variants in F9 are known to be pathogenic (PMID: 20301668). This variant is not present in population databases (gnomAD no frequency). This premature translational stop signal has been observed in individual(s) with F9-related conditions (PMID: 8594556). For these reasons, this variant has been classified as Pathogenic.

Literature cited by the submitters: PubMed 20301668; PubMed 8594556.